The following is an entry in ClinVar:

ClinVar aggregate classification (germline): Likely benign. Review status: criteria provided, multiple submitters, no conflicts (2 of 4 stars). 2 submissions from 2 submitters: Likely benign (2). Last evaluated 2024-07-01.

Conditions:
Inborn genetic diseases. Identifiers: MedGen C0950123, MeSH D030342.

Allele frequency attached by ClinVar (database versions not stated): ExAC 0.00009; ESP Exome Variant Server 0.00023; 1000 Genomes Project 0.00040; 1000 Genomes Project 30x 0.00047.
gnomAD v4.1: 121 of 1,614,000 alleles (0.0075%); highest among the groups gnomAD compares: African/African-American, 0.015%; no homozygotes.

Submissions (2):

CeGaT Center for Human Genetics Tuebingen
Classification: Likely benign. Last evaluated: 2024-07-01. Review status: criteria provided, single submitter. Criteria: CeGaT Center For Human Genetics Tuebingen Variant Classification Criteria Version 2. Collection method: clinical testing. Allele origin: germline. Affected: yes. Observed: 1 variant allele.
Comment: TANC2: BP4, BS2

Ambry Genetics
Classification: Likely benign for Inborn genetic diseases. Last evaluated: 2022-07-20. Review status: criteria provided, single submitter. Criteria: Ambry Variant Classification Scheme 2023. Collection method: clinical testing. Allele origin: germline.

NM_001394998.1(TANC2):c.5242A>G (p.Ile1748Val)

Gene: TANC2 (tetratricopeptide repeat, ankyrin repeat and coiled-coil containing 2; plus strand). Cytogenetic location: 17q23.3.
Variant type: single nucleotide variant.
Coding change: c.5242A>G on transcript NM_001394998.1 (MANE Select); coding-DNA position 5242, A replaced by G.
Protein change: p.Ile1748Val; replaces isoleucine 1748 with valine.
Molecular consequence: missense variant.
Genome position (GRCh38, 1-based): chr17:63,420,972, A>G. VCF-style: chr17-63420972-A-G. GRCh37 (hg19) VCF-style: chr17-61498333-A-G.
Other names: c.5020A>G, p.Ile1674Val (NM_001411076.1); c.4990A>G, p.Ile1664Val (NM_025185.4); short protein forms I1674V, I1664V, I1748V.
Identifiers: ClinVar variation 2356163 (VCV002356163.19), dbSNP rs370440994, ClinGen allele CA8698400.